The following is an entry in ClinVar:

NM_032620.4(GTPBP3):c.664+9A>G

Gene: GTPBP3 (GTP binding protein 3, mitochondrial; plus strand). Cytogenetic location: 19p13.11.
Variant type: single nucleotide variant.
Coding change: c.664+9A>G on transcript NM_032620.4 (MANE Select); 9 bases into the intron after coding-DNA position 664, A replaced by G.
Molecular consequence: intron variant. On other transcripts: missense variant (1).
Genome position (GRCh38, 1-based): chr19:17,339,035, A>G. VCF-style: chr19-17339035-A-G. GRCh37 (hg19) VCF-style: chr19-17449844-A-G.
Other names: c.673A>G, p.Thr225Ala (NM_133644.4); c.730+9A>G (NM_001195422.1); c.664+9A>G (NM_001128855.3); short protein forms T225A.
Identifiers: ClinVar variation 2038825 (VCV002038825.1), dbSNP rs544669646, ClinGen allele CA9293435.

ClinVar aggregate classification (germline): Uncertain significance (1 of 4 stars; one submission).

Allele frequency attached by ClinVar (database versions not stated): TOPMed 0.00004; gnomAD exomes 0.00005; gnomAD 0.00006.
gnomAD v4.1: 83 of 1,614,138 alleles (0.0051%); highest among the groups gnomAD compares: South Asian, 0.053%; 1 homozygote.

Submission:

Labcorp Genetics (formerly Invitae), Labcorp
Classification: Uncertain significance. Last evaluated: 2022-09-01. Review status: criteria provided, single submitter. Criteria: Invitae Variant Classification Sherloc (09022015). Collection method: clinical testing. Allele origin: germline.
Comment: This sequence change replaces threonine, which is neutral and polar, with alanine, which is neutral and non-polar, at codon 225 of the GTPBP3 protein (p.Thr225Ala). This variant is present in population databases (rs544669646, gnomAD 0.07%), including at least one homozygous and/or hemizygous individual. This variant has not been reported in the literature in individuals affected with GTPBP3-related conditions. Algorithms developed to predict the effect of missense changes on protein structure and function are either unavailable or do not agree on the potential impact of this missense change (SIFT: "Deleterious"; PolyPhen-2: "Benign"; Align-GVGD: "Class C0"). In summary, the available evidence is currently insufficient to determine the role of this variant in disease. Therefore, it has been classified as a Variant of Uncertain Significance.